The following is an entry in ClinVar:

NM_001382430.1(AKT1):c.785A>G (p.Asp262Gly)

Gene: AKT1 (AKT serine/threonine kinase 1; minus strand). Cytogenetic location: 14q32.33.
Variant type: single nucleotide variant.
Coding change: c.785A>G on transcript NM_001382430.1 (MANE Select); coding-DNA position 785, A replaced by G.
Protein change: p.Asp262Gly; replaces aspartic acid 262 with glycine.
Molecular consequence: missense variant.
Genome position (GRCh38, 1-based): chr14:104,773,498, T>C on the plus strand (A>G on the coding strand, the complement: AKT1 is on the minus strand). VCF-style: chr14-104773498-T-C. GRCh37 (hg19) VCF-style: chr14-105239835-T-C.
Other names: c.785A>G, p.Asp262Gly (NM_001014431.2, NM_001014432.2, NM_001382431.1 and 3 more transcripts); short protein forms D262G.
Identifiers: ClinVar variation 4036086 (VCV004036086.1).
Genomic context (GRCh38, chr14:104,773,498, plus strand): 5'-CCTGCCCGCCAGCGCACCTTGAGGTCCCGGTACACCACGTTCTTCTCCGAGTGCAGGTAG[T>C]CCAGGGCTGACACAATCTCAGCGCCATAGAAGCGGGCCCGGTCCTCGGAGAACACACGCT-3'
Protein context (NP_001369359.1, residues 252-272): FYGAEIVSAL[Asp262Gly]YLHSEKNVVY

ClinVar aggregate classification (germline): Uncertain significance (1 of 4 stars; one submission).

Conditions:
Inborn genetic diseases. Identifiers: MedGen C0950123, MeSH D030342.

Submission:

Ambry Genetics
Classification: Uncertain significance for Inborn genetic diseases. Last evaluated: 2025-05-11. Review status: criteria provided, single submitter. Criteria: Ambry Variant Classification Scheme 2023. Collection method: clinical testing. Allele origin: germline.
Comment: The p.D262G variant (also known as c.785A>G), located in coding exon 8 of the AKT1 gene, results from an A to G substitution at nucleotide position 785. The aspartic acid at codon 262 is replaced by glycine, an amino acid with similar properties. This amino acid position is conserved. In addition, the in silico prediction for this alteration is inconclusive. Based on the available evidence, the clinical significance of this variant remains unclear.